The following is an entry in ClinVar:

ClinVar aggregate classification (germline): Uncertain significance (1 of 4 stars; one submission).

Conditions:
Hypertrophic cardiomyopathy. Also called: HYPERTROPHIC MYOCARDIOPATHY. Identifiers: Orphanet 217569, MedGen C0007194, MeSH D002312, MONDO:0005045, HP:0001639.

Submission:

All of Us Research Program, National Institutes of Health
Classification: Uncertain significance for Hypertrophic cardiomyopathy. Last evaluated: 2023-09-04. Review status: criteria provided, single submitter. Criteria: ACMG Guidelines, 2015. Collection method: clinical testing. Allele origin: germline. Inheritance: Autosomal dominant inheritance. Observed: 1 variant allele, 1 heterozygote.
Comment: This variant changes 1 nucleotide in exon 9 of the PRKAG2 gene, creating a premature translation stop signal. This variant is expected to result in an absent or non-functional protein product. To our knowledge, this variant has not been reported in individuals affected with PRKAG2-related disorders in the literature. This variant has not been identified in the general population by the Genome Aggregation Database (gnomAD). Clinical relevance of loss-of-function PRKAG2 truncation variants in autosomal dominant cardiovascular disorders is not clearly established. The available evidence is insufficient to determine the role of this variant in disease conclusively. Therefore, this variant is classified as a Variant of Uncertain Significance.

This study involves interpretation of variants in research participants for the purpose of population health screening. Participant phenotype was not available at the time of variant classification. Additional details can be found in publication PMID: 35346344, PMCID: PMC8962531

NM_016203.4(PRKAG2):c.1047G>A (p.Trp349Ter)

Gene: PRKAG2 (protein kinase AMP-activated non-catalytic subunit gamma 2; minus strand). Cytogenetic location: 7q36.1.
Variant type: single nucleotide variant.
Coding change: c.1047G>A on transcript NM_016203.4 (MANE Select); coding-DNA position 1047, G replaced by A.
Protein change: p.Trp349Ter; replaces tryptophan 349 with a stop codon.
Molecular consequence: nonsense.
Genome position (GRCh38, 1-based): chr7:151,572,668, C>T on the plus strand (G>A on the coding strand, the complement: PRKAG2 is on the minus strand). VCF-style: chr7-151572668-C-T. GRCh37 (hg19) VCF-style: chr7-151269754-C-T.
Other names: c.915G>A, p.Trp305Ter (NM_001040633.2, NM_001407024.1); c.672G>A, p.Trp224Ter (NM_001304527.2, NM_001407029.1); c.324G>A, p.Trp108Ter (NM_001304531.2, NM_024429.2, NM_001407034.1 and 1 more transcripts); c.675G>A, p.Trp225Ter (NM_001363698.2, NM_001407028.1); c.1047G>A, p.Trp349Ter (NM_001407021.1); c.1044G>A, p.Trp348Ter (NM_001407022.1, NM_001407023.1); c.912G>A, p.Trp304Ter (NM_001407026.1, NM_001407027.1); c.759G>A, p.Trp253Ter (NM_001407030.1); and 6 more; short protein forms W107*, W108*, W124*, W128*, W224*, W225*, W241*, W243*.
Identifiers: ClinVar variation 3073289 (VCV003073289.1), dbSNP rs2536368485, ClinGen allele CA370072103.